The following is an entry in ClinVar:

NM_000059.4(BRCA2):c.5773C>A (p.Gln1925Lys)

Gene: BRCA2 (BRCA2 DNA repair associated; plus strand). Cytogenetic location: 13q13.1.
Variant type: single nucleotide variant.
Coding change: c.5773C>A on transcript NM_000059.4 (MANE Select); coding-DNA position 5773, C replaced by A.
Protein change: p.Gln1925Lys; replaces glutamine 1925 with lysine.
Molecular consequence: missense variant.
Genome position (GRCh38, 1-based): chr13:32,340,128, C>A. VCF-style: chr13-32340128-C-A. GRCh37 (hg19) VCF-style: chr13-32914265-C-A.
Other names: short protein forms Q1925K.
Identifiers: ClinVar variation 1697449 (VCV001697449.9), dbSNP rs80358806, ClinGen allele CA387787112.

ClinVar aggregate classification (germline): Conflicting classifications of pathogenicity. Review status: criteria provided, conflicting classifications (1 of 4 stars). 2 submissions from 2 submitters: Uncertain significance (1); Likely benign (1). Last evaluated 2025-03-04.

Conditions:
Hereditary cancer-predisposing syndrome. Also called: Hereditary neoplastic syndrome; Tumor predisposition; Neoplastic Syndromes, Hereditary; Hereditary Cancer Syndrome. Identifiers: Orphanet 140162, MedGen C0027672, MeSH D009386, MONDO:0015356.

Submissions (2):

Center for Genomic Medicine, Rigshospitalet, Copenhagen University Hospital
Classification: Uncertain significance. Last evaluated: 2025-03-04. Review status: criteria provided, single submitter. Criteria: ACMG Guidelines, 2015. Collection method: clinical testing. Allele origin: germline.

University of Washington Department of Laboratory Medicine, University of Washington
Classification: Likely benign for Hereditary cancer-predisposing syndrome. Last evaluated: 2023-03-23. Review status: criteria provided, single submitter. Criteria: Dines et al. (Genet Med. 2020). Collection method: curation. Allele origin: germline.
Comment: Missense variant in a coldspot region where missense variants are very unlikely to be pathogenic (PMID:31911673).

BRCA2 exon 11 coldspot. Reclassification based on statistical prior probability.